The following is an entry in ClinVar:

NM_000535.7(PMS2):c.804-59T>C

Gene: PMS2 (PMS1 homolog 2, mismatch repair system component; minus strand). Cytogenetic location: 7p22.1.
Variant type: single nucleotide variant.
Coding change: c.804-59T>C on transcript NM_000535.7 (MANE Select); 59 bases into the intron before coding-DNA position 804, T replaced by C.
Molecular consequence: intron variant.
Genome position (GRCh38, 1-based): chr7:5,995,692, A>G on the plus strand (T>C on the coding strand, the complement: PMS2 is on the minus strand). VCF-style: chr7-5995692-A-G. GRCh37 (hg19) VCF-style: chr7-6035323-A-G.
Other names: c.486-59T>C (NM_001322008.2, NM_001406902.1, NM_001406883.1 and 4 more transcripts); c.495-59T>C (NM_001406881.1, NM_001406879.1, NM_001322015.2 and 6 more transcripts); c.399-59T>C (NM_001406895.1, NM_001322010.2, NM_001322004.2 and 19 more transcripts); c.133-3635T>C (NM_001406911.1); c.291-59T>C (NM_001406904.1, NM_001406905.1); c.231-59T>C (NM_001322013.2, NM_001406909.1); c.-130-59T>C (NM_001322012.2, NM_001322011.2); c.468-59T>C (NM_001406885.1); and 8 more.
Identifiers: ClinVar variation 3903539 (VCV003903539.1).

ClinVar aggregate classification (germline): Benign (1 of 4 stars; one submission).

Conditions:
Lynch syndrome 4 (LYNCH4). Also called: Colorectal cancer, hereditary nonpolyposis, type 4; Hereditary non-polyposis colorectal cancer, type 4. Identifiers: Orphanet 144, MedGen C1838333, MONDO:0013699, OMIM 614337. Disease mechanism: loss of function.

gnomAD v4.1: 11 of 1,105,296 alleles (0.001%); highest among the groups gnomAD compares: African/African-American, 0.011%; no homozygotes.

Submission:

Myriad Genetics, Inc.
Classification: Benign for Lynch syndrome 4. Last evaluated: 2025-01-28. Review status: criteria provided, single submitter. Criteria: Myriad Autosomal Dominant, Autosomal Recessive and X-Linked Classification Criteria (2023). Collection method: clinical testing. Allele origin: unknown.
Comment: This variant is considered benign. This variant is intronic and is not expected to impact mRNA splicing.